The following is an entry in ClinVar:

NM_032802.4(SPPL2A):c.1448G>A (p.Arg483His)

Gene: SPPL2A (signal peptide peptidase like 2A; minus strand). Cytogenetic location: 15q21.2.
Variant type: single nucleotide variant.
Coding change: c.1448G>A on transcript NM_032802.4 (MANE Select); coding-DNA position 1448, G replaced by A.
Protein change: p.Arg483His; replaces arginine 483 with histidine.
Molecular consequence: missense variant.
Genome position (GRCh38, 1-based): chr15:50,719,980, C>T on the plus strand (G>A on the coding strand, the complement: SPPL2A is on the minus strand). VCF-style: chr15-50719980-C-T. GRCh37 (hg19) VCF-style: chr15-51012177-C-T.
Other names: short protein forms R483H.
Identifiers: ClinVar variation 2229306 (VCV002229306.5), dbSNP rs775390031, ClinGen allele CA7558188.

ClinVar aggregate classification (germline): Uncertain significance. Review status: criteria provided, multiple submitters, no conflicts (2 of 4 stars). 2 submissions from 2 submitters: Uncertain significance (2). Last evaluated 2023-11-20.

Allele frequency attached by ClinVar (database versions not stated): gnomAD exomes 0.00001; TOPMed 0.00003; gnomAD 0.00005; ExAC 0.00006.

Submissions (2):

Labcorp Genetics (formerly Invitae), Labcorp
Classification: Uncertain significance. Last evaluated: 2023-11-20. Review status: criteria provided, single submitter. Criteria: Invitae Variant Classification Sherloc (09022015). Collection method: clinical testing. Allele origin: germline.
Comment: This sequence change replaces arginine, which is basic and polar, with histidine, which is basic and polar, at codon 483 of the SPPL2A protein (p.Arg483His). This variant is present in population databases (rs775390031, gnomAD 0.05%). This variant has not been reported in the literature in individuals affected with SPPL2A-related conditions. ClinVar contains an entry for this variant (Variation ID: 2229306). An algorithm developed to predict the effect of missense changes on protein structure and function (PolyPhen-2) suggests that this variant is likely to be disruptive. In summary, the available evidence is currently insufficient to determine the role of this variant in disease. Therefore, it has been classified as a Variant of Uncertain Significance.

Ambry Genetics
Classification: Uncertain significance. Last evaluated: 2021-07-15. Review status: criteria provided, single submitter. Criteria: Ambry Variant Classification Scheme 2023. Collection method: clinical testing. Allele origin: germline.